The following is an entry in ClinVar:

ClinVar aggregate classification (germline): Likely benign (0 of 4 stars; one submission).

Conditions:
TUBB4B-related disorder. Also called: TUBB4B-related condition.

Submission:

PreventionGenetics, part of Exact Sciences
Classification: Likely benign for TUBB4B-related condition. Last evaluated: 2020-11-25. Review status: no assertion criteria provided. Collection method: clinical testing. Allele origin: germline.
Comment: This variant is classified as likely benign based on ACMG/AMP sequence variant interpretation guidelines (Richards et al. 2015 PMID: 25741868, with internal and published modifications).

NM_006088.6(TUBB4B):c.-18GCC[2]

Gene: TUBB4B (tubulin beta 4B class IVb; plus strand). Cytogenetic location: 9q34.3.
Variant type: Microsatellite.
Coding change: c.-18GCC[2] on transcript NM_006088.6 (MANE Select); two copies in a row of the 3-base unit GCC starting at c.-18; the reference has five copies in a row; three copies, 9 bases deleted.
Molecular consequence: 5 prime UTR variant.
Genome position (GRCh38, 1-based): chr9:137,241,349-137,241,357, GCCGCCGCC deleted; deleting any 9 consecutive bases within chr9:137,241,341-137,241,357 gives the same sequence; the position shown is the placement nearest the transcript's 3' end. VCF-style (leftmost placement, unchanged base first): chr9-137241340-CCCGCCGCCG-C. GRCh37 (hg19) VCF-style: chr9-140135792-CCCGCCGCCG-C.
Identifiers: ClinVar variation 3030687 (VCV003030687.2), dbSNP rs370341505, ClinGen allele CA861138781.